The following is an entry in ClinVar:

ClinVar aggregate classification (germline): Uncertain significance (1 of 4 stars; one submission).

Conditions:
Cone-rod dystrophy 6 (CORD6). Also called: RETINAL CONE DYSTROPHY 2; Cone dystrophy progressive. Identifiers: Orphanet 1872, MedGen C1866293, MONDO:0011143, OMIM 601777.
Leber congenital amaurosis 1 (LCA1). Also called: AMAUROSIS CONGENITA OF LEBER I; RETINAL BLINDNESS, CONGENITAL; Congenital absence of the rods and cones; Leber's congenital tapetoretinal degeneration; Leber's congenital tapetoretinal dysplasia. Identifiers: Orphanet 65, MedGen C2931258, MONDO:0008764, OMIM 204000.

Submission:

Labcorp Genetics (formerly Invitae), Labcorp
Classification: Uncertain significance for Leber congenital amaurosis 1; Cone-rod dystrophy 6. Last evaluated: 2024-11-05. Review status: criteria provided, single submitter. Criteria: Invitae Variant Classification Sherloc (09022015). Collection method: clinical testing. Allele origin: germline.
Comment: This sequence change replaces glycine, which is neutral and non-polar, with aspartic acid, which is acidic and polar, at codon 1034 of the GUCY2D protein (p.Gly1034Asp). This variant is not present in population databases (gnomAD no frequency). This variant has not been reported in the literature in individuals affected with GUCY2D-related conditions. ClinVar contains an entry for this variant (Variation ID: 1916063). Invitae Evidence Modeling of protein sequence and biophysical properties (such as structural, functional, and spatial information, amino acid conservation, physicochemical variation, residue mobility, and thermodynamic stability) has been performed for this missense variant. However, the output from this modeling did not meet the statistical confidence thresholds required to predict the impact of this variant on GUCY2D protein function. In summary, the available evidence is currently insufficient to determine the role of this variant in disease. Therefore, it has been classified as a Variant of Uncertain Significance.

NM_000180.4(GUCY2D):c.3101G>A (p.Gly1034Asp)

Gene: GUCY2D (guanylate cyclase 2D, retinal; plus strand). Cytogenetic location: 17p13.1.
Variant type: single nucleotide variant.
Coding change: c.3101G>A on transcript NM_000180.4 (MANE Select); coding-DNA position 3101, G replaced by A.
Protein change: p.Gly1034Asp; replaces glycine 1034 with aspartic acid.
Molecular consequence: missense variant.
Genome position (GRCh38, 1-based): chr17:8,015,984, G>A. VCF-style: chr17-8015984-G-A. GRCh37 (hg19) VCF-style: chr17-7919302-G-A.
Other names: short protein forms G1034D.
Identifiers: ClinVar variation 1916063 (VCV001916063.4), dbSNP rs1975963989, ClinGen allele CA397955731.